The following is an entry in ClinVar:

NM_001164508.2(NEB):c.23743-1G>C

Genes: NEB (nebulin; minus strand), RIF1 (replication timing regulatory factor 1; plus strand). Cytogenetic location: 2q23.3.
Variant type: single nucleotide variant.
Coding change: c.23743-1G>C on transcript NM_001164508.2 (MANE Select); the canonical splice acceptor site of the intron before coding-DNA position 23743, G replaced by C.
Molecular consequence: splice acceptor variant.
Genome position (GRCh38, 1-based): chr2:151,503,442, C>G on the plus strand (G>C on the coding strand, the complement: NEB is on the minus strand). VCF-style: chr2-151503442-C-G. GRCh37 (hg19) VCF-style: chr2-152359956-C-G.
Other names: c.18640-1G>C (NM_004543.5); c.23743-1G>C (NM_001164507.2); c.23848-1G>C (NM_001271208.2).
Identifiers: ClinVar variation 208599 (VCV000208599.14), dbSNP rs797045098, ClinGen allele CA276014.
Genomic context (GRCh38, chr2:151,503,442, plus strand): 5'-CTCAATCTCTGGAGTCACAGTGGTTGGAATGCCTGTTCCCAAGTTTTCTTTGTACATAAC[C>G]TGTAGAAAATAATTAGAATACCCAGAAAGGTAAAATGACCGTAAATCCTTTAGATAGCAG-3'

ClinVar aggregate classification (germline): Likely pathogenic. Review status: criteria provided, multiple submitters, no conflicts (2 of 4 stars). 3 submissions from 3 submitters: Likely pathogenic (2). 1 of the submissions does not count toward it. Last evaluated 2025-08-11.

Conditions:
Nemaline myopathy 2 (NEM2). Also called: Nemaline myopathy 2, autosomal recessive. Identifiers: MedGen C1850569, MONDO:0009725, OMIM 256030.
Nemaline myopathy. Also called: Myopathies, Nemaline. Identifiers: Orphanet 607, MedGen C0206157, MONDO:0018958.

Allele frequency attached by ClinVar (database versions not stated): TOPMed below 0.00001; gnomAD exomes 0.00001.
gnomAD v4.1: 7 of 1,593,542 alleles (0.00044%); highest among the groups gnomAD compares: Non-Finnish European, 0.0006%; no homozygotes.

Submissions (3):

Labcorp Genetics (formerly Invitae), Labcorp
Classification: Likely pathogenic for Nemaline myopathy 2. Last evaluated: 2025-08-11. Review status: criteria provided, single submitter. Criteria: Invitae Variant Classification Sherloc (09022015). Collection method: clinical testing. Allele origin: germline.
Comment: This sequence change affects an acceptor splice site in intron 166 of the NEB gene. It is expected to disrupt RNA splicing. Variants that disrupt the donor or acceptor splice site typically lead to a loss of protein function (PMID: 16199547), and loss-of-function variants in NEB are known to be pathogenic (PMID: 25205138). This variant is not present in population databases (gnomAD no frequency). This variant has not been reported in the literature in individuals affected with NEB-related conditions. ClinVar contains an entry for this variant (Variation ID: 208599). Algorithms developed to predict the effect of sequence changes on RNA splicing suggest that this variant may disrupt the consensus splice site. In summary, the currently available evidence indicates that the variant is pathogenic, but additional data are needed to prove that conclusively. Therefore, this variant has been classified as Likely Pathogenic.

Laboratory for Molecular Medicine, Mass General Brigham Personalized Medicine
Classification: Likely pathogenic for Nemaline myopathy. Last evaluated: 2015-09-04. Review status: criteria provided, single submitter. Criteria: ACMG Guidelines, 2015. Collection method: clinical testing. Allele origin: germline. Inheritance: Autosomal recessive inheritance. Study: CSER-MedSeq.
Comment: The c.18640-1G>C variant in NEB (also referred to as c.23848-1G>C) has not been previously reported in individuals with nemaline myopathy. It was absent from large population studies. This variant occurs in the invariant region (+/- 1,2) of the splice consensus sequence and is predicted to cause altered splicing leading to an abnormal or absent protein. Complete loss of NEB function is an established disease mechanism in nemaline myopathy. In summary, although additional studies are required to fully establish its clinical significance, the c.18640-1G>C variant is likely pathogenic.

Natera, Inc.
Classification: Likely pathogenic for Nemaline myopathy type 2. Last evaluated: 2020-09-16. Review status: no assertion criteria provided. Collection method: clinical testing. Allele origin: germline. Not counted in ClinVar's aggregate classification.

Literature cited by the submitters: PubMed 16199547 (cited by Labcorp Genetics (formerly Invitae), Labcorp); PubMed 25205138 (cited by Labcorp Genetics (formerly Invitae), Labcorp).